The following is an entry in ClinVar:

ClinVar aggregate classification (germline): Pathogenic. Review status: criteria provided, multiple submitters, no conflicts (2 of 4 stars). 5 submissions from 5 submitters: Pathogenic (2). 3 of the submissions do not count toward it. Last evaluated 2025-11-11.

Conditions:
Mitochondrial complex I deficiency, nuclear type 1. Also called: NADH-COENZYME Q REDUCTASE DEFICIENCY; MITOCHONDRIAL NADH DEHYDROGENASE COMPONENT OF COMPLEX I, DEFICIENCY OF. Identifiers: MedGen C6022305, MONDO:0100224, OMIM 252010.
Linear skin defects with multiple congenital anomalies 1 (LSDMCA1). Also called: MLS syndrome; Microphthalmia with Linear Skin Defects Syndrome; MIDAS SYNDROME. Identifiers: Orphanet 2556, MedGen C0796070, MONDO:0024552, OMIM 309801.
Linear skin defects with multiple congenital anomalies 3 (LSDMCA3). Also called: LINEAR SKIN DEFECTS WITH CARDIOMYOPATHY AND OTHER CONGENITAL ANOMALIES. Identifiers: Orphanet 2556, MedGen C4225421, MONDO:0010494, OMIM 300952.
Histiocytoid cardiomyopathy. Also called: FOAMY MYOCARDIAL TRANSFORMATION OF INFANCY. Identifiers: Orphanet 137675, MedGen C1708371, MONDO:0010771, OMIM 500000, HP:0005152.

Submissions (5):

GeneDx
Classification: Pathogenic. Last evaluated: 2025-11-11. Review status: criteria provided, single submitter. Criteria: GeneDx Variant Classification Process June 2021. Collection method: clinical testing. Allele origin: germline. Affected: yes.
Comment: Nonsense variant predicted to result in protein truncation or nonsense mediated decay in a gene for which loss of function is a known mechanism of disease; Not observed at significant frequency in large population cohorts (gnomAD); This variant is associated with the following publications: (PMID: 25772934, no PMID, 28050600, 33504798, 33057194, 35982159)

Fulgent Genetics
Classification: Pathogenic for Mitochondrial complex I deficiency, nuclear type 1; Linear skin defects with multiple congenital anomalies 3; Linear skin defects with multiple congenital anomalies 1. Last evaluated: 2018-10-31. Review status: criteria provided, single submitter. Criteria: ACMG Guidelines, 2015. Collection method: clinical testing. Allele origin: unknown.

Cardiovascular Biomedical Research Unit, Royal Brompton & Harefield NHS Foundation Trust
Classification: Likely pathogenic for Histiocytoid cardiomyopathy. Last evaluated: 2016-08-15. Review status: no assertion criteria provided. Collection method: research. Allele origin: de novo. Inheritance: Sporadic. Affected: yes. Observed: 1 variant allele, 1 heterozygote. Not counted in ClinVar's aggregate classification.

OMIM
Classification: Pathogenic for LINEAR SKIN DEFECTS WITH MULTIPLE CONGENITAL ANOMALIES 3. Last evaluated: 2015-04-02. Review status: no assertion criteria provided. Collection method: literature only. Allele origin: germline. Not counted in ClinVar's aggregate classification.

GeneReviews
No classification provided. Condition: Linear skin defects with multiple congenital anomalies 3. Review status: no classification provided. Collection method: literature only. Allele origin: germline. Not counted in ClinVar's aggregate classification.

Literature cited by the submitters: PubMed 25772934 (cited by OMIM and GeneReviews).

NM_001135998.3(NDUFB11):c.262C>T (p.Arg88Ter)

Gene: NDUFB11 (NADH:ubiquinone oxidoreductase subunit B11; minus strand). Cytogenetic location: Xp11.3.
Variant type: single nucleotide variant.
Coding change: c.262C>T on transcript NM_001135998.3 (MANE Select); coding-DNA position 262, C replaced by T.
Protein change: p.Arg88Ter; replaces arginine 88 with a stop codon.
Molecular consequence: nonsense.
Genome position (GRCh38, 1-based): chrX:47,142,690, G>A on the plus strand (C>T on the coding strand, the complement: NDUFB11 is on the minus strand). VCF-style: chrX-47142690-G-A. GRCh37 (hg19) VCF-style: chrX-47002089-G-A.
Other names: c.262C>T, p.Arg88Ter (NM_019056.7); short protein forms R88*.
Identifiers: ClinVar variation 190302 (VCV000190302.6), dbSNP rs786205225, ClinGen allele CA199656.